The following is an entry in ClinVar:

NM_000492.4(CFTR):c.621A>C (p.Gln207His)

Gene: CFTR (CF transmembrane conductance regulator; plus strand). Cytogenetic location: 7q31.2.
Variant type: single nucleotide variant.
Coding change: c.621A>C on transcript NM_000492.4 (MANE Select); coding-DNA position 621, A replaced by C.
Protein change: p.Gln207His; replaces glutamine 207 with histidine.
Molecular consequence: missense variant.
Genome position (GRCh38, 1-based): chr7:117,535,289, A>C. VCF-style: chr7-117535289-A-C. GRCh37 (hg19) VCF-style: chr7-117175343-A-C.
Other names: short protein forms Q207H.
Identifiers: ClinVar variation 4001818 (VCV004001818.1).

ClinVar aggregate classification (germline): Uncertain significance (1 of 4 stars; one submission).

Conditions:
Cystic fibrosis (CF). Also called: MUCOVISCIDOSIS. Identifiers: Orphanet 586, MedGen C0010674, MONDO:0009061, OMIM 219700. Disease mechanism: loss of function.

gnomAD v4.1: 4 of 1,613,494 alleles (0.00025%); highest among the groups gnomAD compares: Admixed American, 0.005%; 1 homozygote.

Submission:

Ambry Genetics
Classification: Uncertain significance for Cystic fibrosis. Last evaluated: 2025-04-11. Review status: criteria provided, single submitter. Criteria: Ambry Variant Classification Scheme 2023. Collection method: clinical testing. Allele origin: germline.
Comment: The p.Q207H variant (also known as c.621A>C), located in coding exon 6 of the CFTR gene, results from an A to C substitution at nucleotide position 621. The glutamine at codon 207 is replaced by histidine, an amino acid with highly similar properties. This amino acid position is highly conserved in available vertebrate species. In addition, this alteration is predicted to be deleterious by in silico analysis. Based on the available evidence, the clinical significance of this variant remains unclear.